The following is an entry in ClinVar:

NM_024675.4(PALB2):c.3179_3180insGCCGGGCGCGGTGGCTCACGCCTGTAATCCCAGCACTTTGGGAGGCCGAGGCGGGCGGATCACGAGGNNNNNNNNNNTTTATTTATTTTTTTTTTTTTTTGAGACGGAGTCTCGCTCTGTCGCCCAGGCTGGAGAAGCTTCAGTCTGG (p.Cys1060fs)

Gene: PALB2 (partner and localizer of BRCA2; minus strand). Cytogenetic location: 16p12.2.
Variant type: Insertion.
Coding change: c.3179_3180insGCCGGGCGCGGTGGCTCACGCCTGTAATCCCAGCACTTTGGGAGGCCGAGGCGGGCGGATCACGAGGNNNNNNNNNNTTTATTTATTTTTTTTTTTTTTTGAGACGGAGTCTCGCTCTGTCGCCCAGGCTGGAGAAGCTTCAGTCTGG on transcript NM_024675.4 (MANE Select); coding-DNA positions 3179 to 3180, GCCGGGCGCGGTGGCTCACGCCTGTAATCCCAGCACTTTGGGAGGCCGAGGCGGGCGGATCACGAGGNNNNNNNNNNTTTATTTATTTTTTTTTTTTTTTGAGACGGAGTCTCGCTCTGTCGCCCAGGCTGGAGAAGCTTCAGTCTGG inserted.
Protein change: p.Cys1060fs; shifts the reading frame from cysteine 1060.
Molecular consequence: frameshift variant. On other transcripts: intron variant (3).
Genome position: GRCh38: chr16:23,614,026-23,614,027. GRCh37 (hg19): chr16:23,625,347-23,625,348.
Other names: c.3017_3018insGCCGGGCGCGGTGGCTCACGCCTGTAATCCCAGCACTTTGGGAGGCCGAGGCGGGCGGATCACGAGGNNNNNNNNNNTTTATTTATTTTTTTTTTTTTTTGAGACGGAGTCTCGCTCTGTCGCCCAGGCTGGAGAAGCTTCAGTCTGG, p.Cys1006fs (NM_001407302.1, NM_001407298.1); c.2294_2295insGCCGGGCGCGGTGGCTCACGCCTGTAATCCCAGCACTTTGGGAGGCCGAGGCGGGCGGATCACGAGGNNNNNNNNNNTTTATTTATTTTTTTTTTTTTTTGAGACGGAGTCTCGCTCTGTCGCCCAGGCTGGAGAAGCTTCAGTCTGG, p.Cys765fs (NM_001407304.1, NM_001407305.1, NM_001407306.1 and 2 more transcripts); c.2132_2133insGCCGGGCGCGGTGGCTCACGCCTGTAATCCCAGCACTTTGGGAGGCCGAGGCGGGCGGATCACGAGGNNNNNNNNNNTTTATTTATTTTTTTTTTTTTTTGAGACGGAGTCTCGCTCTGTCGCCCAGGCTGGAGAAGCTTCAGTCTGG, p.Cys711fs (NM_001407307.1); c.1391_1392insGCCGGGCGCGGTGGCTCACGCCTGTAATCCCAGCACTTTGGGAGGCCGAGGCGGGCGGATCACGAGGNNNNNNNNNNTTTATTTATTTTTTTTTTTTTTTGAGACGGAGTCTCGCTCTGTCGCCCAGGCTGGAGAAGCTTCAGTCTGG, p.Cys464fs (NM_001407312.1, NM_001407313.1); c.713_714insGCCGGGCGCGGTGGCTCACGCCTGTAATCCCAGCACTTTGGGAGGCCGAGGCGGGCGGATCACGAGGNNNNNNNNNNTTTATTTATTTTTTTTTTTTTTTGAGACGGAGTCTCGCTCTGTCGCCCAGGCTGGAGAAGCTTCAGTCTGG, p.Cys238fs (NM_001407314.1); c.2228+7336_2228+7337insGGCCGGGCGCGGTGGCTCACGCCTGTAATCCCAGCACTTTGGGAGGCCGAGGCGGGCGGATCACGAGGNNNNNNNNNNTTTATTTATTTTTTTTTTTTTTTGAGACGGAGTCTCGCTCTGTCGCCCAGGCTGGAGAAGCTTCAGTCTG (NM_001407308.1, NM_001407309.1); c.3113+7336_3113+7337insGGCCGGGCGCGGTGGCTCACGCCTGTAATCCCAGCACTTTGGGAGGCCGAGGCGGGCGGATCACGAGGNNNNNNNNNNTTTATTTATTTTTTTTTTTTTTTGAGACGGAGTCTCGCTCTGTCGCCCAGGCTGGAGAAGCTTCAGTCTG (NM_001407299.1); c.3119_3120insGCCGGGCGCGGTGGCTCACGCCTGTAATCCCAGCACTTTGGGAGGCCGAGGCGGGCGGATCACGAGGNNNNNNNNNNTTTATTTATTTTTTTTTTTTTTTGAGACGGAGTCTCGCTCTGTCGCCCAGGCTGGAGAAGCTTCAGTCTGG, p.Cys1040fs (NM_001407296.1); and 3 more; short protein forms C238fs, C464fs, C967fs, C765fs, C1036fs, C1060fs, C711fs, C1006fs.
Identifiers: ClinVar variation 2700382 (VCV002700382.3), dbSNP rs2506265040.

ClinVar aggregate classification (germline): Pathogenic (1 of 4 stars; one submission).

Conditions:
Familial cancer of breast. Also called: hereditary breast carcinoma; Hereditary breast cancer; BREAST CANCER, FAMILIAL. Identifiers: Orphanet 227535, MedGen C0346153, MONDO:0016419, OMIM 114480. Disease mechanism: loss of function.

Submission:

Labcorp Genetics (formerly Invitae), Labcorp
Classification: Pathogenic for Familial cancer of breast. Last evaluated: 2023-12-03. Review status: criteria provided, single submitter. Criteria: Invitae Variant Classification Sherloc (09022015). Collection method: clinical testing. Allele origin: germline.
Comment: This sequence change inserts a large fragment of DNA, likely a transposable element, in exon 11 of the PALB2 gene (c.3179_3180ins?), causing a frameshift at codon 1060 (p.Cys1060fs). The exact size and sequence of the insertion cannot be determined by the current assay. However, the insertion is expected to result in an absent or disrupted protein product. This variant is not present in population databases (gnomAD no frequency). This variant has not been reported in the literature in individuals affected with PALB2-related conditions. Retrotransposon insertions including LINE1 (L1), Alu, and SVA (SINE-VNTR-Alu) have been reported to be disease-causing through disruption of either a coding region or splice site (PMID: 19763152, 20307669, 22406018) and loss-of-function variants in PALB2 are known to be pathogenic (PMID: 17200668, 17200671, 17200672, 24136930, 25099575). For these reasons, this variant has been classified as Pathogenic.

Literature cited by the submitters: PubMed 19763152; PubMed 20307669; PubMed 22406018; PubMed 17200668; PubMed 17200671; PubMed 17200672; PubMed 24136930; PubMed 25099575.